The following is an entry in ClinVar:

NM_001943.5(DSG2):c.148G>A (p.Ala50Thr)

Gene: DSG2 (desmoglein 2; plus strand). Cytogenetic location: 18q12.1.
Variant type: single nucleotide variant.
Coding change: c.148G>A on transcript NM_001943.5 (MANE Select); coding-DNA position 148, G replaced by A.
Protein change: p.Ala50Thr; replaces alanine 50 with threonine.
Molecular consequence: missense variant.
Genome position (GRCh38, 1-based): chr18:31,519,869, G>A. VCF-style: chr18-31519869-G-A. GRCh37 (hg19) VCF-style: chr18-29099832-G-A.
Other names: short protein forms A50T.
Identifiers: ClinVar variation 925861 (VCV000925861.14), dbSNP rs1267795586, ClinGen allele CA402130790.
Genomic context (GRCh38, chr18:31,519,869, plus strand): 5'-AGCACAAGAAATGAAAATAAGCTGCTTCCTAAACATCCTCATTTAGTGCGGCAAAAGCGC[G>A]CCTGGATCACCGCCCCCGTGGCTCTTCGGGAGGGAGAGGATCTGTCCAAGAAGAATCCAA-3'
Protein context (NP_001934.2, residues 40-60): KHPHLVRQKR[Ala50Thr]WITAPVALRE

ClinVar aggregate classification (germline): Conflicting classifications of pathogenicity. Review status: criteria provided, conflicting classifications (1 of 4 stars). 7 submissions from 7 submitters: Uncertain significance (4); Likely benign (1). 2 of the submissions do not count toward it. Last evaluated 2025-01-15.

Conditions:
Cardiomyopathy (CMYO). Also called: Cardiomyopathies. Identifiers: Orphanet 167848, MedGen C0878544, MONDO:0004994, HP:0001638. Inheritance: Various modes of inheritance.
Arrhythmogenic right ventricular cardiomyopathy (ARVD). Also called: Arrhythmogenic cardiomyopathy; Cardiomyopathy, ARVC; Arrhythmogenic right ventricular dysplasia; Arrhythmogenic Right Ventricular Cardiomyopathy (ARVC). Identifiers: Orphanet 247, MedGen C0349788, MeSH D019571, MONDO:0016587. Disease mechanism: loss of function. Inheritance: Various modes of inheritance.
Cardiovascular phenotype. Identifiers: MedGen CN230736.
Arrhythmogenic right ventricular dysplasia 10. Also called: Arrhythmogenic Right Ventricular Dysplasia/Cardiomyopathy10; ARRHYTHMOGENIC RIGHT VENTRICULAR DYSPLASIA, FAMILIAL, 10; Arrhythmogenic right ventricular dysplasia/cardiomyopathy, type 10. Identifiers: MedGen C1857777, MONDO:0012434, OMIM 610193.

Allele frequency attached by ClinVar (database versions not stated): gnomAD exomes 0.00001 and 0.00004; TOPMed 0.00008; gnomAD 0.00012 and 0.00013.
gnomAD v4.1: 35 of 1,613,984 alleles (0.0022%); highest among the groups gnomAD compares: Admixed American, 0.045%; no homozygotes.

Submissions (7):

GeneDx
Classification: Uncertain significance. Last evaluated: 2025-01-15. Review status: criteria provided, single submitter. Criteria: GeneDx Variant Classification Process June 2021. Collection method: clinical testing. Allele origin: germline. Affected: yes.
Comment: In silico analysis indicates that this missense variant does not alter protein structure/function; This variant is associated with the following publications: (PMID: 33057194, 35982159)

All of Us Research Program, National Institutes of Health
Classification: Uncertain significance for Arrhythmogenic right ventricular cardiomyopathy. Last evaluated: 2023-10-30. Review status: criteria provided, single submitter. Criteria: ACMG Guidelines, 2015. Collection method: clinical testing. Allele origin: germline. Inheritance: Autosomal dominant inheritance. Observed: 2 variant alleles, 2 heterozygotes.
Comment: This missense variant replaces alanine with threonine at codon 50 of the DSG2 protein. Computational prediction suggests that this variant may not impact protein structure and function (internally defined REVEL score threshold <= 0.5, PMID: 27666373). Splice site prediction tools suggest that this variant may not impact RNA splicing. To our knowledge, functional studies have not been performed for this variant. This variant has not been reported in individuals affected with cardiovascular disorders in the literature. This variant has been identified in 11/249494 chromosomes in the general population by the Genome Aggregation Database (gnomAD). The available evidence is insufficient to determine the role of this variant in disease conclusively. Therefore, this variant is classified as a Variant of Uncertain Significance.

This study involves interpretation of variants in research participants for the purpose of population health screening. Participant phenotype was not available at the time of variant classification. Additional details can be found in publication PMID: 35346344, PMCID: PMC8962531

Color Diagnostics, LLC DBA Color Health
Classification: Uncertain significance for Cardiomyopathy. Last evaluated: 2023-08-23. Review status: criteria provided, single submitter. Criteria: ACMG Guidelines, 2015. Collection method: clinical testing. Allele origin: germline.
Comment: This missense variant replaces alanine with threonine at codon 50 of the DSG2 protein. Computational prediction suggests that this variant may not impact protein structure and function (internally defined REVEL score threshold <= 0.5, PMID: 27666373). To our knowledge, functional studies have not been reported for this variant. This variant has not been reported in individuals affected with cardiovascular disorders in the literature. This variant has been identified in 11/249494 chromosomes in the general population by the Genome Aggregation Database (gnomAD). The available evidence is insufficient to determine the role of this variant in disease conclusively. Therefore, this variant is classified as a Variant of Uncertain Significance.

Labcorp Genetics (formerly Invitae), Labcorp
Classification: Uncertain significance for Arrhythmogenic right ventricular dysplasia 10. Last evaluated: 2023-06-05. Review status: criteria provided, single submitter. Criteria: Invitae Variant Classification Sherloc (09022015). Collection method: clinical testing. Allele origin: germline.
Comment: This variant is present in population databases (no rsID available, gnomAD 0.03%). This sequence change replaces alanine, which is neutral and non-polar, with threonine, which is neutral and polar, at codon 50 of the DSG2 protein (p.Ala50Thr). This variant has not been reported in the literature in individuals affected with DSG2-related conditions. ClinVar contains an entry for this variant (Variation ID: 925861). Advanced modeling of protein sequence and biophysical properties (such as structural, functional, and spatial information, amino acid conservation, physicochemical variation, residue mobility, and thermodynamic stability) performed at Invitae indicates that this missense variant is not expected to disrupt DSG2 protein function. In summary, the available evidence is currently insufficient to determine the role of this variant in disease. Therefore, it has been classified as a Variant of Uncertain Significance.

Ambry Genetics
Classification: Likely benign for Cardiovascular phenotype. Last evaluated: 2022-03-04. Review status: criteria provided, single submitter. Criteria: Ambry Variant Classification Scheme 2023. Collection method: clinical testing. Allele origin: germline.

Clinical Genetics, Academic Medical Center
Classification: Likely benign. Review status: no assertion criteria provided. Collection method: clinical testing. Allele origin: germline. Affected: yes. Study: VKGL Data-share Consensus. Not counted in ClinVar's aggregate classification.

Genome Diagnostics Laboratory, University Medical Center Utrecht
Classification: Likely benign. Review status: no assertion criteria provided. Collection method: clinical testing. Allele origin: germline. Affected: yes. Study: VKGL Data-share Consensus. Not counted in ClinVar's aggregate classification.